The following is an entry in ClinVar:

NM_002180.3(IGHMBP2):c.46C>G (p.Leu16Val)

Gene: IGHMBP2 (immunoglobulin mu DNA binding protein 2; plus strand). Cytogenetic location: 11q13.3.
Variant type: single nucleotide variant.
Coding change: c.46C>G on transcript NM_002180.3 (MANE Select); coding-DNA position 46, C replaced by G.
Protein change: p.Leu16Val; replaces leucine 16 with valine.
Molecular consequence: missense variant.
Genome position (GRCh38, 1-based): chr11:68,903,998, C>G. VCF-style: chr11-68903998-C-G. GRCh37 (hg19) VCF-style: chr11-68671466-C-G.
Other names: short protein forms L16V.
Identifiers: ClinVar variation 2930359 (VCV002930359.3), dbSNP rs1334447515, ClinGen allele CA381641366.
Genomic context (GRCh38, chr11:68,903,998, plus strand): 5'-AGGCCGGCGGCGGCGATGGCCTCGGCAGCTGTGGAGAGCTTCGTGACCAAGCAACTGGAC[C>G]TGCTGGAGCTTGAGAGAGACGCGGAGGTGGAGGAGCGCAGGTACGGGAGGCCGCCGGCGC-3'
Protein context (NP_002171.2, residues 6-26): VESFVTKQLD[Leu16Val]LELERDAEVE

ClinVar aggregate classification (germline): Uncertain significance (1 of 4 stars; one submission).

Conditions:
Autosomal recessive distal spinal muscular atrophy 1. Also called: HMN VI; NEURONOPATHY, SEVERE INFANTILE AXONAL, WITH RESPIRATORY FAILURE; SEVERE INFANTILE AXONAL NEUROPATHY WITH RESPIRATORY FAILURE; SPINAL MUSCULAR ATROPHY, DIAPHRAGMATIC; Spinal muscular atrophy with respiratory distress 1; NEURONOPATHY, DISTAL HEREDITARY MOTOR, HARDING TYPE VI. Identifiers: Orphanet 98920, MedGen C1858517, MONDO:0011436, OMIM 604320.
Charcot-Marie-Tooth disease axonal type 2S. Also called: CHARCOT-MARIE-TOOTH NEUROPATHY, TYPE 2S; CHARCOT-MARIE-TOOTH DISEASE, AXONAL, AUTOSOMAL RECESSIVE, TYPE 2S. Identifiers: Orphanet 443073, MedGen C4015349, MONDO:0014511, OMIM 616155.

Allele frequency attached by ClinVar (database versions not stated): TOPMed 0.00001.

Submission:

Labcorp Genetics (formerly Invitae), Labcorp
Classification: Uncertain significance for Autosomal recessive distal spinal muscular atrophy 1; Charcot-Marie-Tooth disease axonal type 2S. Last evaluated: 2023-11-14. Review status: criteria provided, single submitter. Criteria: Invitae Variant Classification Sherloc (09022015). Collection method: clinical testing. Allele origin: germline.
Comment: This sequence change replaces leucine, which is neutral and non-polar, with valine, which is neutral and non-polar, at codon 16 of the IGHMBP2 protein (p.Leu16Val). The frequency data for this variant in the population databases is considered unreliable, as metrics indicate poor data quality at this position in the gnomAD database. This variant has not been reported in the literature in individuals affected with IGHMBP2-related conditions. Advanced modeling of protein sequence and biophysical properties (such as structural, functional, and spatial information, amino acid conservation, physicochemical variation, residue mobility, and thermodynamic stability) performed at Invitae indicates that this missense variant is expected to disrupt IGHMBP2 protein function with a positive predictive value of 80%. In summary, the available evidence is currently insufficient to determine the role of this variant in disease. Therefore, it has been classified as a Variant of Uncertain Significance.